The following is an entry in ClinVar:

ClinVar aggregate classification (germline): Benign (1 of 4 stars; one submission).

Conditions:
X-linked lymphoproliferative disease due to XIAP deficiency. Also called: XIAP DEFICIENCY; XIAP-Related Lymphoproliferative Disease, X-Linked. Identifiers: Orphanet 2442, Orphanet 538934, MedGen C1845076, MONDO:0010385, OMIM 300635.

Allele frequency attached by ClinVar (database versions not stated): gnomAD exomes 0.00189 and 0.00355; ExAC 0.00194; 1000 Genomes Project 0.01325; gnomAD 0.01362 and 0.01472; 1000 Genomes Project 30x 0.01374; TOPMed 0.01534.
gnomAD v4.1: 1,854 of 301,895 alleles (0.61%); highest among the groups gnomAD compares: African/African-American, 4.7%; 28 homozygotes.

Submission:

Illumina Laboratory Services, Illumina
Classification: Benign for X-linked lymphoproliferative disease due to XIAP deficiency. Last evaluated: 2017-04-28. Review status: criteria provided, single submitter. Criteria: ICSL Variant Classification Criteria 13 December 2019. Collection method: clinical testing. Allele origin: germline.
Comment: This variant was observed as part of a predisposition screen in an ostensibly healthy population. A literature search was performed for the gene, cDNA change, and amino acid change (where applicable). No publications were found based on this search. Allele frequency data from public databases was too high to be consistent with this variant causing disease. Therefore, this variant is classified as benign.

NM_001167.4(XIAP):c.*5756C>T

Gene: XIAP (X-linked inhibitor of apoptosis; plus strand). Cytogenetic location: Xq25.
Variant type: single nucleotide variant.
Coding change: c.*5756C>T on transcript NM_001167.4 (MANE Select); 5756 bases downstream of the stop codon, C replaced by T.
Molecular consequence: 3 prime UTR variant. On other transcripts: non-coding transcript variant (2).
Genome position (GRCh38, 1-based): chrX:123,912,937, C>T. VCF-style: chrX-123912937-C-T. GRCh37 (hg19) VCF-style: chrX-123046787-C-T.
Other names: c.*5756C>T (NM_001204401.2, NM_001378590.1, NM_001378591.1 and 1 more transcripts).
Identifiers: ClinVar variation 367854 (VCV000367854.5), dbSNP rs149254603, ClinGen allele CA10508460.